The following is an entry in ClinVar:

NM_000540.3(RYR1):c.13757C>G (p.Ser4586Cys)

Gene: RYR1 (ryanodine receptor 1; plus strand). Cytogenetic location: 19q13.2.
Variant type: single nucleotide variant.
Coding change: c.13757C>G on transcript NM_000540.3 (MANE Select); coding-DNA position 13757, C replaced by G.
Protein change: p.Ser4586Cys; replaces serine 4586 with cysteine.
Molecular consequence: missense variant.
Genome position (GRCh38, 1-based): chr19:38,572,029, C>G. VCF-style: chr19-38572029-C-G. GRCh37 (hg19) VCF-style: chr19-39062669-C-G.
Other names: c.13742C>G, p.Ser4581Cys (NM_001042723.2); short protein forms S4581C, S4586C.
Identifiers: ClinVar variation 3073198 (VCV003073198.1), dbSNP rs1439975602, ClinGen allele CA405679948.

ClinVar aggregate classification (germline): Uncertain significance (1 of 4 stars; one submission).

Conditions:
Malignant hyperthermia, susceptibility to, 1 (MHS1). Also called: Anesthesia related hyperthermia; Malignant hyperpyrexia; Fulminating hyperpyrexia; Pharmacogenic myopathy; RYR1-Related Malignant Hyperthermia Susceptibility; Malignant hyperthermia suceptibility 1. Identifiers: Orphanet 423, MedGen C2930980, MONDO:0007783, OMIM 145600.

Allele frequency attached by ClinVar (database versions not stated): TOPMed below 0.00001; gnomAD 0.00001.
gnomAD v4.1: 1 of 1,613,906 alleles (0.000062%); highest among the groups gnomAD compares: African/African-American, 0.0013%; no homozygotes.

Submission:

All of Us Research Program, National Institutes of Health
Classification: Uncertain significance for Malignant hyperthermia, susceptibility to, 1. Last evaluated: 2023-08-28. Review status: criteria provided, single submitter. Criteria: ACMG Guidelines, 2015. Collection method: clinical testing. Allele origin: germline. Inheritance: Autosomal dominant inheritance. Observed: 1 variant allele, 1 heterozygote.
Comment: This missense variant replaces serine with cysteine at codon 4586 of the RYR1 protein. Computational prediction suggests that this variant may not impact protein structure and function (internally defined REVEL score threshold <= 0.5, PMID: 27666373). To our knowledge, functional studies have not been reported for this variant. This variant has not been reported in individuals affected with RYR1-related disorders in the literature. This variant has not been identified in the general population by the Genome Aggregation Database (gnomAD). The available evidence is insufficient to determine the role of this variant in disease conclusively. Therefore, this variant is classified as a Variant of Uncertain Significance.

This study involves interpretation of variants in research participants for the purpose of population health screening. Participant phenotype was not available at the time of variant classification. Additional details can be found in publication PMID: 35346344, PMCID: PMC8962531